The following is an entry in ClinVar:

NM_177550.5(SLC13A5):c.134T>C (p.Met45Thr)

Gene: SLC13A5 (solute carrier family 13 member 5; minus strand). Cytogenetic location: 17p13.1.
Variant type: single nucleotide variant.
Coding change: c.134T>C on transcript NM_177550.5 (MANE Select); coding-DNA position 134, T replaced by C.
Protein change: p.Met45Thr; replaces methionine 45 with threonine.
Molecular consequence: missense variant. On other transcripts: intron variant (1).
Genome position (GRCh38, 1-based): chr17:6,707,125, A>G on the plus strand (T>C on the coding strand, the complement: SLC13A5 is on the minus strand). VCF-style: chr17-6707125-A-G. GRCh37 (hg19) VCF-style: chr17-6610444-A-G.
Other names: c.134T>C, p.Met45Thr (NM_001143838.3, NM_001284509.2); c.103-347T>C (NM_001284510.2); short protein forms M45T.
Identifiers: ClinVar variation 1483560 (VCV001483560.6), dbSNP rs1208101006, ClinGen allele CA397751905.

ClinVar aggregate classification (germline): Uncertain significance (1 of 4 stars; one submission).

Conditions:
Developmental and epileptic encephalopathy, 25 (DEE25). Also called: Epileptic encephalopathy, early infantile, 25; Developmental and epileptic encephalopathy 25, with amelogenesis imperfecta; Epileptic encephalopathy, early infantile, 25, with amelogenesis imperfecta. Identifiers: Orphanet 442835, MedGen C4014621, MONDO:0014392, OMIM 615905.

Allele frequency attached by ClinVar (database versions not stated): gnomAD exomes 0.00001.
gnomAD v4.1: 3 of 1,614,064 alleles (0.00019%); highest among the groups gnomAD compares: Admixed American, 0.005%; no homozygotes.

Submission:

Labcorp Genetics (formerly Invitae), Labcorp
Classification: Uncertain significance for Developmental and epileptic encephalopathy, 25. Last evaluated: 2022-08-22. Review status: criteria provided, single submitter. Criteria: Invitae Variant Classification Sherloc (09022015). Collection method: clinical testing. Allele origin: germline.
Comment: Algorithms developed to predict the effect of missense changes on protein structure and function (SIFT, PolyPhen-2, Align-GVGD) all suggest that this variant is likely to be disruptive. This sequence change replaces methionine, which is neutral and non-polar, with threonine, which is neutral and polar, at codon 45 of the SLC13A5 protein (p.Met45Thr). This variant is present in population databases (no rsID available, gnomAD 0.006%). This variant has not been reported in the literature in individuals affected with SLC13A5-related conditions. ClinVar contains an entry for this variant (Variation ID: 1483560). In summary, the available evidence is currently insufficient to determine the role of this variant in disease. Therefore, it has been classified as a Variant of Uncertain Significance.